The following is an entry in ClinVar:

NM_003036.4(SKI):c.1433A>G (p.Lys478Arg)

Gene: SKI (SKI proto-oncogene; plus strand). Cytogenetic location: 1p36.32.
Variant type: single nucleotide variant.
Coding change: c.1433A>G on transcript NM_003036.4 (MANE Select); coding-DNA position 1433, A replaced by G.
Protein change: p.Lys478Arg; replaces lysine 478 with arginine.
Molecular consequence: missense variant.
Genome position (GRCh38, 1-based): chr1:2,304,061, A>G. VCF-style: chr1-2304061-A-G. GRCh37 (hg19) VCF-style: chr1-2235500-A-G.
Other names: short protein forms K478R.
Identifiers: ClinVar variation 2586930 (VCV002586930.3), dbSNP rs1290176972, ClinGen allele CA337956725.
Genomic context (GRCh38, chr1:2,304,061, plus strand): 5'-CTGTGGACACCCCAGGAGCCCCAGAGACGCTGGCGCCCGTGGCTGCCCCAGAGGAGGACA[A>G]GGACTCGGAGGCGGAGGTGGAAGTTGAAAGCAGGGAGGAATGTACGTGTGAGTCGCTTTC-3'
Protein context (NP_003027.1, residues 468-488): LAPVAAPEED[Lys478Arg]DSEAEVEVES

ClinVar aggregate classification (germline): Uncertain significance. Review status: criteria provided, multiple submitters, no conflicts (2 of 4 stars). 2 submissions from 2 submitters: Uncertain significance (2). Last evaluated 2024-04-30.

Conditions:
Familial thoracic aortic aneurysm and aortic dissection (TAAD). Also called: Thoracic aortic aneurysms and dissections. Identifiers: Orphanet 91387, MedGen C4707243, MONDO:0019625.

Allele frequency attached by ClinVar (database versions not stated): gnomAD 0.00001; gnomAD exomes 0.00001; TOPMed 0.00001.
gnomAD v4.1: 18 of 1,612,460 alleles (0.0011%); highest among the groups gnomAD compares: Non-Finnish European, 0.0014%; no homozygotes.

Submissions (2):

GeneDx
Classification: Uncertain significance. Last evaluated: 2024-04-30. Review status: criteria provided, single submitter. Criteria: GeneDx Variant Classification Process June 2021. Collection method: clinical testing. Allele origin: germline. Affected: yes.
Comment: Has not been previously published as pathogenic or benign to our knowledge; In silico analysis indicates that this missense variant does not alter protein structure/function

Ambry Genetics
Classification: Uncertain significance for Familial thoracic aortic aneurysm and aortic dissection. Last evaluated: 2023-08-02. Review status: criteria provided, single submitter. Criteria: Ambry Variant Classification Scheme 2023. Collection method: clinical testing. Allele origin: germline.
Comment: The p.K478R variant (also known as c.1433A>G), located in coding exon 4 of the SKI gene, results from an A to G substitution at nucleotide position 1433. The lysine at codon 478 is replaced by arginine, an amino acid with highly similar properties. This amino acid position is conserved. In addition, this alteration is predicted to be tolerated by in silico analysis. Since supporting evidence is limited at this time, the clinical significance of this alteration remains unclear.